The following is an entry in ClinVar:

ClinVar aggregate classification (germline): Uncertain significance. Review status: criteria provided, multiple submitters, no conflicts (2 of 4 stars). 2 submissions from 2 submitters: Uncertain significance (2). Last evaluated 2024-05-19.

Conditions:
Hereditary cancer-predisposing syndrome. Also called: Hereditary neoplastic syndrome; Hereditary Cancer Syndrome; Neoplastic Syndromes, Hereditary; Tumor predisposition. Identifiers: Orphanet 140162, MedGen C0027672, MeSH D009386, MONDO:0015356.

Allele frequency attached by ClinVar (database versions not stated): gnomAD exomes 0.00001 and 0.00002; ExAC 0.00002.
gnomAD v4.1: 4 of 1,613,882 alleles (0.00025%); highest among the groups gnomAD compares: Non-Finnish European, 0.00025%; no homozygotes.

Submissions (2):

Ambry Genetics
Classification: Uncertain significance for Hereditary cancer-predisposing syndrome. Last evaluated: 2024-05-19. Review status: criteria provided, single submitter. Criteria: Ambry Variant Classification Scheme 2023. Collection method: clinical testing. Allele origin: germline.
Comment: The p.T1891S variant (also known as c.5672C>G), located in coding exon 41 of the POLE gene, results from a C to G substitution at nucleotide position 5672. The threonine at codon 1891 is replaced by serine, an amino acid with similar properties. This amino acid position is conserved. In addition, this alteration is predicted to be tolerated by in silico analysis. Based on the available evidence, the clinical significance of this variant remains unclear.

Labcorp Genetics (formerly Invitae), Labcorp
Classification: Uncertain significance. Last evaluated: 2022-06-13. Review status: criteria provided, single submitter. Criteria: Invitae Variant Classification Sherloc (09022015). Collection method: clinical testing. Allele origin: germline.
Comment: In summary, the available evidence is currently insufficient to determine the role of this variant in disease. Therefore, it has been classified as a Variant of Uncertain Significance. Algorithms developed to predict the effect of missense changes on protein structure and function (SIFT, PolyPhen-2, Align-GVGD) all suggest that this variant is likely to be tolerated. This variant has not been reported in the literature in individuals affected with POLE-related conditions. This variant is present in population databases (rs780911169, gnomAD 0.003%). This sequence change replaces threonine, which is neutral and polar, with serine, which is neutral and polar, at codon 1891 of the POLE protein (p.Thr1891Ser).

NM_006231.4(POLE):c.5672C>G (p.Thr1891Ser)

Gene: POLE (DNA polymerase epsilon, catalytic subunit; minus strand). Cytogenetic location: 12q24.33.
Variant type: single nucleotide variant.
Coding change: c.5672C>G on transcript NM_006231.4 (MANE Select); coding-DNA position 5672, C replaced by G.
Protein change: p.Thr1891Ser; replaces threonine 1891 with serine.
Molecular consequence: missense variant.
Genome position (GRCh38, 1-based): chr12:132,638,020, G>C on the plus strand (C>G on the coding strand, the complement: POLE is on the minus strand). VCF-style: chr12-132638020-G-C. GRCh37 (hg19) VCF-style: chr12-133214606-G-C.
Other names: c.5672C>G (NM_006231.2); short protein forms T1891S.
Identifiers: ClinVar variation 1405963 (VCV001405963.9), dbSNP rs780911169, ClinGen allele CA6892444.
Genomic context (GRCh38, chr12:132,638,020, plus strand): 5'-TTAGCATCCCTCTCAAAGCCACAGTGCTGCGTCACCAGGACCAGCCAGCCGCACCTGCTG[G>C]TGATGTACTCCACGTAAGCGATGGCATCTTCCACACGGCGCTTCTTTGTACAGAGGATGA-3'
Protein context (NP_006222.2, residues 1881-1901): EDAIAYVEYI[Thr1891Ser]SSIHSKETFH